The following is an entry in ClinVar:

NM_002439.5(MSH3):c.1778G>A (p.Arg593Gln)

Gene: MSH3 (mutS homolog 3; plus strand). Cytogenetic location: 5q14.1.
Variant type: single nucleotide variant.
Coding change: c.1778G>A on transcript NM_002439.5 (MANE Select); coding-DNA position 1778, G replaced by A.
Protein change: p.Arg593Gln; replaces arginine 593 with glutamine.
Molecular consequence: missense variant.
Genome position (GRCh38, 1-based): chr5:80,761,560, G>A. VCF-style: chr5-80761560-G-A. GRCh37 (hg19) VCF-style: chr5-80057379-G-A.
Other names: short protein forms R593Q.
Identifiers: ClinVar variation 645380 (VCV000645380.21), dbSNP rs764832633, ClinGen allele CA3328043.

ClinVar aggregate classification (germline): Uncertain significance. Review status: criteria provided, multiple submitters, no conflicts (2 of 4 stars). 7 submissions from 7 submitters: Uncertain significance (7). Last evaluated 2025-12-17.

Conditions:
Endometrial carcinoma. Also called: Endometrial carcinoma, somatic. Identifiers: MedGen C0476089, MONDO:0002447, OMIM 608089, HP:0012114.
Familial adenomatous polyposis 4 (FAP4). Also called: MSH3-related attenuated familial adenomatous polyposis. Identifiers: Orphanet 480536, MedGen C4310719, MONDO:0044300, OMIM 617100.
Hereditary cancer-predisposing syndrome. Also called: Hereditary Cancer Syndrome; Tumor predisposition; Hereditary neoplastic syndrome; Neoplastic Syndromes, Hereditary. Identifiers: Orphanet 140162, MedGen C0027672, MeSH D009386, MONDO:0015356.

Allele frequency attached by ClinVar (database versions not stated): gnomAD 0.00001 and 0.00004; TOPMed 0.00002; ExAC 0.00004; gnomAD exomes 0.00005.
gnomAD v4.1: 68 of 1,613,990 alleles (0.0042%); highest among the groups gnomAD compares: Middle Eastern, 0.082%; no homozygotes.

Submissions (7):

Labcorp Genetics (formerly Invitae), Labcorp
Classification: Uncertain significance. Last evaluated: 2025-12-17. Review status: criteria provided, single submitter. Criteria: Invitae Variant Classification Sherloc (09022015). Collection method: clinical testing. Allele origin: germline.
Comment: This sequence change replaces arginine, which is basic and polar, with glutamine, which is neutral and polar, at codon 593 of the MSH3 protein (p.Arg593Gln). This variant is present in population databases (rs764832633, gnomAD 0.009%). This variant has not been reported in the literature in individuals affected with MSH3-related conditions. ClinVar contains an entry for this variant (Variation ID: 645380). An algorithm developed to predict the effect of missense changes on protein structure and function (PolyPhen-2) suggests that this variant is likely to be disruptive. In summary, the available evidence is currently insufficient to determine the role of this variant in disease. Therefore, it has been classified as a Variant of Uncertain Significance.

Ambry Genetics
Classification: Uncertain significance for Hereditary cancer-predisposing syndrome. Last evaluated: 2025-04-01. Review status: criteria provided, single submitter. Criteria: Ambry Variant Classification Scheme 2023. Collection method: clinical testing. Allele origin: germline.
Comment: The p.R593Q variant (also known as c.1778G>A), located in coding exon 13 of the MSH3 gene, results from a G to A substitution at nucleotide position 1778. The arginine at codon 593 is replaced by glutamine, an amino acid with highly similar properties. This alteration was identified in a patient meeting testing criteria for HBOC (Chrysafi P et al. Cancers (Basel), 2023 Dec;15). This amino acid position is highly conserved in available vertebrate species. In addition, this alteration is predicted to be deleterious by in silico analysis. Based on the available evidence, the clinical significance of this alteration remains unclear.

GeneDx
Classification: Uncertain significance. Last evaluated: 2024-10-31. Review status: criteria provided, single submitter. Criteria: GeneDx Variant Classification Process June 2021. Collection method: clinical testing. Allele origin: germline. Affected: yes.
Comment: Not observed at significant frequency in large population cohorts (gnomAD); In silico analysis supports that this missense variant has a deleterious effect on protein structure/function; Observed in a patient with breast and colon cancer (PMID: 35475445); This variant is associated with the following publications: (PMID: 39049123, 35475445)

Fulgent Genetics
Classification: Uncertain significance for Endometrial carcinoma; Familial adenomatous polyposis 4. Last evaluated: 2024-02-15. Review status: criteria provided, single submitter. Criteria: ACMG Guidelines, 2015. Collection method: clinical testing. Allele origin: germline.

Baylor Genetics
Classification: Uncertain significance for Endometrial carcinoma. Last evaluated: 2024-02-01. Review status: criteria provided, single submitter. Criteria: ACMG Guidelines, 2015. Collection method: clinical testing. Allele origin: unknown.

St. Jude Molecular Pathology, St. Jude Children's Research Hospital
Classification: Uncertain significance for Familial adenomatous polyposis 4. Last evaluated: 2022-10-17. Review status: criteria provided, single submitter. Criteria: St. Jude Assertion Criteria 2020. Collection method: clinical testing. Allele origin: germline.
Comment: The MSH3 c.1778G>A (p.Arg593Gln) missense change has a maximum subpopulation frequency of 0.0062% in gnomAD v2.1.1. The in silico tool REVEL predicts a deleterious effect on protein function, but to our knowledge this prediction has not been confirmed by functional studies. This variant has been reported in at least one individual with colon cancer (PMID: 35475445). In summary, the evidence currently available is insufficient to determine the clinical significance of this variant. It has therefore been classified as of uncertain significance.

Sema4
Classification: Uncertain significance for Hereditary cancer-predisposing syndrome. Last evaluated: 2021-09-16. Review status: criteria provided, single submitter. Criteria: Sema4 Curation Guidelines. Collection method: curation. Allele origin: germline.
Comment: The MSH3 c.1778G>A (p.R593Q) variant has not been reported in the literature to our knowledge. It was observed in 2/21648 chromosomes of the Finnish subpopulation in the large and broad cohorts of the Genome Aggregation Database (PMID: 32461654), and has been reported in ClinVar (Variation ID 645380). In silico tools suggest the impact of the variant on protein function is deleterious, though these predictions have not been confirmed by functional studies. The evidence is insufficient to meet ACMG/AMP criteria for classifying the variant as benign or pathogenic. Thus, the clinical significance of this variant is currently uncertain.

Literature cited by the submitters: PubMed 38136308 (cited by Ambry Genetics).